The following is an entry in ClinVar:

NM_006031.6(PCNT):c.8001C>T (p.Ser2667=)

Gene: PCNT (pericentrin; plus strand). Cytogenetic location: 21q22.3.
Variant type: single nucleotide variant.
Coding change: c.8001C>T on transcript NM_006031.6 (MANE Select); coding-DNA position 8001, C replaced by T.
Protein change: p.Ser2667=; no amino-acid change (serine 2667 retained).
Molecular consequence: synonymous variant.
Genome position (GRCh38, 1-based): chr21:46,430,594, C>T. VCF-style: chr21-46430594-C-T. GRCh37 (hg19) VCF-style: chr21-47850508-C-T.
Other names: c.7647C>T, p.Ser2549= (NM_001315529.2).
Identifiers: ClinVar variation 3344625 (VCV003344625.1).

ClinVar aggregate classification (germline): Likely benign (0 of 4 stars; one submission).

Conditions:
PCNT-related disorder. Also called: PCNT-related condition.

Submission:

PreventionGenetics, part of Exact Sciences
Classification: Likely benign for PCNT-related condition. Last evaluated: 2024-06-26. Review status: no assertion criteria provided. Collection method: clinical testing. Allele origin: germline.
Comment: This variant is classified as likely benign based on ACMG/AMP sequence variant interpretation guidelines (Richards et al. 2015 PMID: 25741868, with internal and published modifications).